The following is an entry in ClinVar:

ClinVar aggregate classification (germline): Uncertain significance (1 of 4 stars; one submission).

Allele frequency attached by ClinVar (database versions not stated): gnomAD exomes below 0.00001; ExAC 0.00001.
gnomAD v4.1: 2 of 1,603,564 alleles (0.00012%); highest among the groups gnomAD compares: Non-Finnish European, 0.00017%; no homozygotes.

Submission:

Labcorp Genetics (formerly Invitae), Labcorp
Classification: Uncertain significance. Last evaluated: 2025-11-12. Review status: criteria provided, single submitter. Criteria: Invitae Variant Classification Sherloc (09022015). Collection method: clinical testing. Allele origin: germline.
Comment: This sequence change replaces alanine, which is neutral and non-polar, with threonine, which is neutral and polar, at codon 500 of the ALPL protein (p.Ala500Thr). The frequency data for this variant in the population databases is considered unreliable, as metrics indicate poor data quality at this position in the gnomAD database. This variant has not been reported in the literature in individuals affected with ALPL-related conditions. ClinVar contains an entry for this variant (Variation ID: 1437418). Invitae Evidence Modeling of protein sequence and biophysical properties (such as structural, functional, and spatial information, amino acid conservation, physicochemical variation, residue mobility, and thermodynamic stability) has been performed for this missense variant. However, the output from this modeling did not meet the statistical confidence thresholds required to predict the impact of this variant on ALPL protein function. In summary, the available evidence is currently insufficient to determine the role of this variant in disease. Therefore, it has been classified as a Variant of Uncertain Significance.

NM_000478.6(ALPL):c.1498G>A (p.Ala500Thr)

Gene: ALPL (alkaline phosphatase, biomineralization associated; plus strand). Cytogenetic location: 1p36.12.
Variant type: single nucleotide variant.
Coding change: c.1498G>A on transcript NM_000478.6 (MANE Select); coding-DNA position 1498, G replaced by A.
Protein change: p.Ala500Thr; replaces alanine 500 with threonine.
Molecular consequence: missense variant.
Genome position (GRCh38, 1-based): chr1:21,577,571, G>A. VCF-style: chr1-21577571-G-A. GRCh37 (hg19) VCF-style: chr1-21904064-G-A.
Other names: c.1333G>A, p.Ala445Thr (NM_001127501.4); c.1267G>A, p.Ala423Thr (NM_001177520.3); c.1498G>A, p.Ala500Thr (NM_001369803.2, NM_001369804.2, NM_001369805.2); short protein forms A445T, A500T, A423T.
Identifiers: ClinVar variation 1437418 (VCV001437418.7), dbSNP rs762216748, ClinGen allele CA666867.